The following is an entry in ClinVar:

ClinVar aggregate classification (germline): Uncertain significance (1 of 4 stars; one submission).

Allele frequency attached by ClinVar (database versions not stated): gnomAD exomes below 0.00001.
gnomAD v4.1: 1 of 1,563,974 alleles (0.000064%); highest among the groups gnomAD compares: Non-Finnish European, 0.000087%; no homozygotes.

Submission:

Labcorp Genetics (formerly Invitae), Labcorp
Classification: Uncertain significance. Last evaluated: 2022-08-22. Review status: criteria provided, single submitter. Criteria: Invitae Variant Classification Sherloc (09022015). Collection method: clinical testing. Allele origin: germline.
Comment: In summary, the available evidence is currently insufficient to determine the role of this variant in disease. Therefore, it has been classified as a Variant of Uncertain Significance. Advanced modeling of protein sequence and biophysical properties (such as structural, functional, and spatial information, amino acid conservation, physicochemical variation, residue mobility, and thermodynamic stability) performed at Invitae indicates that this missense variant is not expected to disrupt CLCN7 protein function. This variant has not been reported in the literature in individuals affected with CLCN7-related conditions. This variant is not present in population databases (gnomAD no frequency). This sequence change replaces glutamic acid, which is acidic and polar, with lysine, which is basic and polar, at codon 277 of the CLCN7 protein (p.Glu277Lys).

NM_001287.6(CLCN7):c.829G>A (p.Glu277Lys)

Gene: CLCN7 (chloride voltage-gated channel 7; minus strand). Cytogenetic location: 16p13.3.
Variant type: single nucleotide variant.
Coding change: c.829G>A on transcript NM_001287.6 (MANE Select); coding-DNA position 829, G replaced by A.
Protein change: p.Glu277Lys; replaces glutamic acid 277 with lysine.
Molecular consequence: missense variant.
Genome position (GRCh38, 1-based): chr16:1,456,200, C>T on the plus strand (G>A on the coding strand, the complement: CLCN7 is on the minus strand). VCF-style: chr16-1456200-C-T. GRCh37 (hg19) VCF-style: chr16-1506201-C-T.
Other names: c.757G>A, p.Glu253Lys (NM_001114331.3); short protein forms E277K, E253K.
Identifiers: ClinVar variation 2016528 (VCV002016528.4), dbSNP rs2505833578, ClinGen allele CA394190497.